The following is an entry in ClinVar:

ClinVar aggregate classification (germline): Uncertain significance (1 of 4 stars; one submission).

Allele frequency attached by ClinVar (database versions not stated): gnomAD exomes 0.00001.
gnomAD v4.1: 5 of 1,611,882 alleles (0.00031%); highest among the groups gnomAD compares: African/African-American, 0.004%; no homozygotes.

Submission:

Labcorp Genetics (formerly Invitae), Labcorp
Classification: Uncertain significance. Last evaluated: 2023-03-11. Review status: criteria provided, single submitter. Criteria: Invitae Variant Classification Sherloc (09022015). Collection method: clinical testing. Allele origin: germline.
Comment: In summary, the available evidence is currently insufficient to determine the role of this variant in disease. Therefore, it has been classified as a Variant of Uncertain Significance. Algorithms developed to predict the effect of sequence changes on RNA splicing suggest that this variant may disrupt the consensus splice site. This variant has not been reported in the literature in individuals affected with EMC1-related conditions. This variant is not present in population databases (gnomAD no frequency). This sequence change affects codon 603 of the EMC1 mRNA. It is a 'silent' change, meaning that it does not change the encoded amino acid sequence of the EMC1 protein.

NM_015047.3(EMC1):c.1809C>T (p.Val603=)

Genes: EMC1-AS1 (EMC1 antisense RNA 1; plus strand), EMC1 (ER membrane protein complex subunit 1; minus strand). Cytogenetic location: 1p36.13.
Variant type: single nucleotide variant.
Coding change: c.1809C>T on transcript NM_015047.3 (MANE Select); coding-DNA position 1809, C replaced by T.
Protein change: p.Val603=; no amino-acid change (valine 603 retained).
Molecular consequence: synonymous variant.
Genome position (GRCh38, 1-based): chr1:19,231,396, G>A on the plus strand (C>T on the coding strand, the complement: EMC1 is on the minus strand). VCF-style: chr1-19231396-G-A. GRCh37 (hg19) VCF-style: chr1-19557890-G-A.
Other names: c.1806C>T, p.Val602= (NM_001271427.2, NM_001271428.2); c.1743C>T, p.Val581= (NM_001271429.2); c.1818C>T, p.Val606= (NM_001375820.1); c.1815C>T, p.Val605= (NM_001375821.1).
Identifiers: ClinVar variation 2787315 (VCV002787315.3), dbSNP rs2536722670, ClinGen allele CA416429209.
Genomic context (GRCh38, chr1:19,231,396, plus strand): 5'-GATGGGGCGCTTCAGCACTGGGGGAGCTACCTGACTCCACTTCCCAAAAATGGGATTGAA[G>A]ACATACAGAGAACTCATTCCCGACTCCTAAAATGAGCAAACTGTCAGGCTCCACCAACAA-3'
Protein context (NP_055862.1, residues 593-613): DKESGMSSLY[Val603=]FNPIFGKWSQ